The following is an entry in ClinVar:

NM_006361.6(HOXB13):c.88C>T (p.His30Tyr)

Gene: HOXB13 (homeobox B13; minus strand). Cytogenetic location: 17q21.32.
Variant type: single nucleotide variant.
Coding change: c.88C>T on transcript NM_006361.6 (MANE Select); coding-DNA position 88, C replaced by T.
Protein change: p.His30Tyr; replaces histidine 30 with tyrosine.
Molecular consequence: missense variant.
Genome position (GRCh38, 1-based): chr17:48,728,506, G>A on the plus strand (C>T on the coding strand, the complement: HOXB13 is on the minus strand). VCF-style: chr17-48728506-G-A. GRCh37 (hg19) VCF-style: chr17-46805868-G-A.
Other names: short protein forms H30Y.
Identifiers: ClinVar variation 690977 (VCV000690977.6), dbSNP rs1597935153, ClinGen allele CA400109473.
Genomic context (GRCh38, chr17:48,728,506, plus strand): 5'-GGGCATAGTTGACAGCAGGCATCAGCGTAGGCGCCGCTGGGTGGCTGGTCAGAGGGGAGT[G>A]GGCGACCAGATTCCGCCCCCCTCCCGCTCCCAGCAAGCCTTCGATATCCTTGGCTCCATC-3'
Protein context (NP_006352.2, residues 20-40): GAGGGRNLVA[His30Tyr]SPLTSHPAAP

ClinVar aggregate classification (germline): Uncertain significance. Review status: criteria provided, multiple submitters, no conflicts (2 of 4 stars). 3 submissions from 3 submitters: Uncertain significance (2). 1 of the submissions does not count toward it. Last evaluated 2024-09-09.

Conditions:
Prostate cancer, hereditary, 1 (HPC1). Identifiers: Orphanet 1331, MedGen C4722327, MONDO:0011098, OMIM 601518.
Hereditary cancer-predisposing syndrome. Also called: Neoplastic Syndromes, Hereditary; Tumor predisposition; Hereditary neoplastic syndrome; Hereditary Cancer Syndrome. Identifiers: Orphanet 140162, MedGen C0027672, MeSH D009386, MONDO:0015356.

Allele frequency attached by ClinVar (database versions not stated): gnomAD exomes below 0.00001.
gnomAD v4.1: 1 of 1,613,438 alleles (0.000062%); highest among the groups gnomAD compares: Non-Finnish European, 0.000085%; no homozygotes.

Submissions (3):

Ambry Genetics
Classification: Uncertain significance for Hereditary cancer-predisposing syndrome. Last evaluated: 2024-09-09. Review status: criteria provided, single submitter. Criteria: Ambry Variant Classification Scheme 2023. Collection method: clinical testing. Allele origin: germline.
Comment: The p.H30Y variant (also known as c.88C>T), located in coding exon 1 of the HOXB13 gene, results from a C to T substitution at nucleotide position 88. The histidine at codon 30 is replaced by tyrosine, an amino acid with similar properties. This amino acid position is conserved. In addition, this alteration is predicted to be tolerated by in silico analysis. Based on the available evidence, the clinical significance of this variant remains unclear.

Labcorp Genetics (formerly Invitae), Labcorp
Classification: Uncertain significance. Last evaluated: 2023-08-07. Review status: criteria provided, single submitter. Criteria: Invitae Variant Classification Sherloc (09022015). Collection method: clinical testing. Allele origin: germline.
Comment: An algorithm developed to predict the effect of missense changes on protein structure and function (PolyPhen-2) suggests that this variant is likely to be tolerated. ClinVar contains an entry for this variant (Variation ID: 690977). This variant has not been reported in the literature in individuals affected with HOXB13-related conditions. This variant is not present in population databases (gnomAD no frequency). This sequence change replaces histidine, which is basic and polar, with tyrosine, which is neutral and polar, at codon 30 of the HOXB13 protein (p.His30Tyr). In summary, the available evidence is currently insufficient to determine the role of this variant in disease. Therefore, it has been classified as a Variant of Uncertain Significance.

Laboratory of Virology, Microbiology,  Quality and Medical Biotechnologies, Faculty of Sciences and Techniques - Mohammedia, Hassan II University of Casablanca
Classification: Uncertain significance for Prostate cancer, hereditary, 1. Review status: no assertion criteria provided. Collection method: clinical testing. Allele origin: somatic. Affected: yes. Not counted in ClinVar's aggregate classification.